The following is an entry in ClinVar:

NM_001267550.2(TTN):c.71940G>A (p.Leu23980=)

Genes: TTN (titin; minus strand), TTN-AS1 (TTN antisense RNA 1; plus strand). Cytogenetic location: 2q31.2.
Variant type: single nucleotide variant.
Coding change: c.71940G>A on transcript NM_001267550.2 (MANE Select); coding-DNA position 71940, G replaced by A.
Protein change: p.Leu23980=; no amino-acid change (leucine 23980 retained).
Molecular consequence: synonymous variant.
Genome position (GRCh38, 1-based): chr2:178,574,192, C>T on the plus strand (G>A on the coding strand, the complement: TTN is on the minus strand). VCF-style: chr2-178574192-C-T. GRCh37 (hg19) VCF-style: chr2-179438919-C-T.
Other names: p.L22339L:TTG>TTA; p.Leu21412=; c.67017G>A, p.Leu22339= (NM_001256850.1); c.44745G>A, p.Leu14915= (NM_003319.4); c.64236G>A, p.Leu21412= (NM_133378.4); c.45120G>A, p.Leu15040= (NM_133432.3); c.45321G>A, p.Leu15107= (NM_133437.4).
Identifiers: ClinVar variation 47304 (VCV000047304.51), dbSNP rs72646893, ClinGen allele CA283714.

ClinVar aggregate classification (germline): Benign/Likely benign. Review status: criteria provided, multiple submitters, no conflicts (2 of 4 stars). 27 submissions from 20 submitters: Benign (18); Likely benign (5). 4 of the submissions do not count toward it. Last evaluated 2026-02-03.

Conditions:
Cardiovascular phenotype. Identifiers: MedGen CN230736.
Dilated cardiomyopathy 1G (CMD1G). Identifiers: Orphanet 154, MedGen C1858763, MONDO:0011400, OMIM 604145.
Autosomal recessive limb-girdle muscular dystrophy type 2J (LGMDR10). Also called: MUSCULAR DYSTROPHY, LIMB-GIRDLE, AUTOSOMAL RECESSIVE 10; Limb-girdle muscular dystrophy, type 2J. Identifiers: Orphanet 140922, MedGen C1837342, MONDO:0012127, OMIM 608807.
Cardiomyopathy (CMYO). Also called: Cardiomyopathies. Identifiers: Orphanet 167848, MedGen C0878544, MONDO:0004994, HP:0001638. Inheritance: Various modes of inheritance.
Early-onset myopathy with fatal cardiomyopathy (CMYO5). Also called: CONGENITAL MYOPATHY 5 WITH CARDIOMYOPATHY; Salih Myopathy. Identifiers: Orphanet 289377, MedGen C2673677, MONDO:0012714, OMIM 611705. Disease mechanism: loss of function.
Tibial muscular dystrophy (TMD). Also called: Udd Distal Myopathy – Tibial Muscular Dystrophy; Tibial muscular dystrophy, tardive; UDD MYOPATHY. Identifiers: Orphanet 609, MedGen C1838244, MONDO:0010870, OMIM 600334.
Myopathy, myofibrillar, 9, with early respiratory failure (MFM9). Also called: Myopathy, distal, with early respiratory failure, autosomal dominant; Hereditary myopathy with early respiratory failure; MYOPATHY, PROXIMAL, WITH EARLY RESPIRATORY MUSCLE INVOLVEMENT; EDSTROM MYOPATHY. Identifiers: Orphanet 178464, Orphanet 34521, MedGen C1863599, MONDO:0011362, OMIM 603689.

Allele frequency attached by ClinVar (database versions not stated): gnomAD exomes 0.00194 and 0.00075; gnomAD 0.00826 and 0.00758; ExAC 0.00227; 1000 Genomes Project 0.00639; 1000 Genomes Project 30x 0.00656; TOPMed 0.00902; ESP Exome Variant Server 0.00833.
gnomAD v4.1: 2,303 of 1,613,472 alleles (0.14%); highest among the groups gnomAD compares: African/African-American, 2.7%; 30 homozygotes.

Submissions (27):

Labcorp Genetics (formerly Invitae), Labcorp
Classification: Benign for Dilated cardiomyopathy 1G; Autosomal recessive limb-girdle muscular dystrophy type 2J. Last evaluated: 2026-02-03. Review status: criteria provided, single submitter. Criteria: Invitae Variant Classification Sherloc (09022015). Collection method: clinical testing. Allele origin: germline.

Molecular Diagnostic Laboratory for Inherited Cardiovascular Disease, Montreal Heart Institute
Classification: Benign. Last evaluated: 2025-04-09. Review status: criteria provided, single submitter. Criteria: ACMG Guidelines, 2015. Collection method: clinical testing. Allele origin: germline. Affected: no.

ARUP Laboratories, Molecular Genetics and Genomics, ARUP Laboratories
Classification: Benign. Last evaluated: 2025-03-25. Review status: criteria provided, single submitter. Criteria: ARUP Molecular Germline Variant Investigation Process 2024. Collection method: clinical testing. Allele origin: germline.

Blueprint Genetics
Classification: Likely benign. Last evaluated: 2024-11-25. Review status: criteria provided, single submitter. Criteria: ACMG Guidelines, 2015. Collection method: clinical testing. Allele origin: germline.

Genome-Nilou Lab
Classification: Benign for Autosomal recessive limb-girdle muscular dystrophy type 2J. Last evaluated: 2021-09-10. Review status: criteria provided, single submitter. Criteria: ACMG Guidelines, 2015. Collection method: clinical testing. Allele origin: germline. Affected: no.

Genome-Nilou Lab
Classification: Benign for Myopathy, myofibrillar, 9, with early respiratory failure. Last evaluated: 2021-09-10. Review status: criteria provided, single submitter. Criteria: ACMG Guidelines, 2015. Collection method: clinical testing. Allele origin: germline. Affected: no.

Genome-Nilou Lab
Classification: Benign for Early-onset myopathy with fatal cardiomyopathy. Last evaluated: 2021-09-10. Review status: criteria provided, single submitter. Criteria: ACMG Guidelines, 2015. Collection method: clinical testing. Allele origin: germline. Affected: no.

Genome-Nilou Lab
Classification: Benign for Tibial muscular dystrophy. Last evaluated: 2021-09-10. Review status: criteria provided, single submitter. Criteria: ACMG Guidelines, 2015. Collection method: clinical testing. Allele origin: germline. Affected: no.

Women's Health and Genetics/Laboratory Corporation of America, LabCorp
Classification: Benign. Last evaluated: 2021-02-28. Review status: criteria provided, single submitter. Criteria: LabCorp Variant Classification Summary - May 2015. Collection method: clinical testing. Allele origin: germline.

Athena Diagnostics
Classification: Benign. Last evaluated: 2020-11-09. Review status: criteria provided, single submitter. Criteria: Athena Diagnostics criteria. Collection method: clinical testing. Allele origin: unknown.

Mayo Clinic Laboratories, Mayo Clinic
Classification: Benign. Last evaluated: 2018-10-12. Review status: criteria provided, single submitter. Criteria: ACMG Guidelines, 2015. Collection method: clinical testing. Allele origin: germline. Observed: 19 variant alleles.

Illumina Laboratory Services, Illumina
Classification: Likely benign for Early-onset myopathy with fatal cardiomyopathy. Last evaluated: 2018-01-13. Review status: criteria provided, single submitter. Criteria: ICSL Variant Classification Criteria 13 December 2019. Collection method: clinical testing. Allele origin: germline.
Comment: This variant was observed in the ICSL laboratory as part of a predisposition screen in an ostensibly healthy population. It had not been previously curated by ICSL or reported in the Human Gene Mutation Database (HGMD: prior to June 1st, 2018), and was therefore a candidate for classification through an automated scoring system. Utilizing variant allele frequency, disease prevalence and penetrance estimates, and inheritance mode, an automated score was calculated to assess if this variant is too frequent to cause the disease. Based on the score and internal cut-off values, a variant classified as likely benign is not then subjected to further curation. The score for this variant resulted in a classification of likely benign for this disease.

Illumina Laboratory Services, Illumina
Classification: Likely benign for Autosomal recessive limb-girdle muscular dystrophy type 2J. Last evaluated: 2018-01-13. Review status: criteria provided, single submitter. Criteria: ICSL Variant Classification Criteria 13 December 2019. Collection method: clinical testing. Allele origin: germline.
Comment: the same text as in the submission from Illumina Laboratory Services, Illumina above.

Illumina Laboratory Services, Illumina
Classification: Likely benign for Dilated cardiomyopathy 1G. Last evaluated: 2018-01-13. Review status: criteria provided, single submitter. Criteria: ICSL Variant Classification Criteria 13 December 2019. Collection method: clinical testing. Allele origin: germline.
Comment: the same text as in the submission from Illumina Laboratory Services, Illumina above.

Illumina Laboratory Services, Illumina
Classification: Benign for Tibial muscular dystrophy. Last evaluated: 2018-01-13. Review status: criteria provided, single submitter. Criteria: ICSL Variant Classification Criteria 13 December 2019. Collection method: clinical testing. Allele origin: germline.
Comment: This variant was observed in the ICSL laboratory as part of a predisposition screen in an ostensibly healthy population. It had not been previously curated by ICSL or reported in the Human Gene Mutation Database (HGMD: prior to June 1st, 2018), and was therefore a candidate for classification through an automated scoring system. Utilizing variant allele frequency, disease prevalence and penetrance estimates, and inheritance mode, an automated score was calculated to assess if this variant is too frequent to cause the disease. Based on the score and internal cut-off values, a variant classified as benign is not then subjected to further curation. The score for this variant resulted in a classification of benign for this disease.

Illumina Laboratory Services, Illumina
Classification: Benign for Myopathy, myofibrillar, 9, with early respiratory failure. Last evaluated: 2018-01-13. Review status: criteria provided, single submitter. Criteria: ICSL Variant Classification Criteria 13 December 2019. Collection method: clinical testing. Allele origin: germline.
Comment: the same text as in the submission from Illumina Laboratory Services, Illumina above.

CHEO Genetics Diagnostic Laboratory, Children's Hospital of Eastern Ontario
Classification: Benign for Cardiomyopathy. Last evaluated: 2016-01-15. Review status: criteria provided, single submitter. Criteria: ACMG Guidelines, 2015. Collection method: clinical testing. Allele origin: germline. Study: Canadian Open Genetics Repository.

Ambry Genetics
Classification: Benign for Cardiovascular phenotype. Last evaluated: 2013-09-18. Review status: criteria provided, single submitter. Criteria: Ambry Autosomal Dominant and X-Linked criteria (10/2015). Collection method: clinical testing. Allele origin: germline. Observed: 1 variant allele.

Eurofins Ntd Llc (ga)
Classification: Benign. Last evaluated: 2013-07-26. Review status: criteria provided, single submitter. Criteria: EGL Classification Definitions 2015. Collection method: clinical testing. Allele origin: germline. Observed: 1 variant allele, 1 heterozygote.

GeneDx
Classification: Benign. Last evaluated: 2013-04-17. Review status: criteria provided, single submitter. Criteria: GeneDx Variant Classification (06012015). Collection method: clinical testing. Allele origin: germline. Affected: yes.
Comment: This variant is considered likely benign or benign based on one or more of the following criteria: it is a conservative change, it occurs at a poorly conserved position in the protein, it is predicted to be benign by multiple in silico algorithms, and/or has population frequency not consistent with disease.

Laboratory for Molecular Medicine, Mass General Brigham Personalized Medicine
Classification: Benign. Last evaluated: 2012-05-10. Review status: criteria provided, single submitter. Criteria: LMM Criteria. Collection method: clinical testing. Allele origin: germline. Observed: 14 variant alleles.
Comment: Leu21412Leu in exon 275 of TTN: This variant is not expected to have clinical si gnificance because it has been identified in 2.5% (78/3172) of African American chromosomes from a broad population by the NHLBI Exome Sequencing Project (dbSNP rs72646893)

Breakthrough Genomics
Classification: Likely benign. Review status: criteria provided, single submitter. Criteria: ACMG Guidelines, 2015. Collection method: not provided. Allele origin: germline. Inheritance: Autosomal recessive inheritance. Affected: yes.

PreventionGenetics, part of Exact Sciences
Classification: Benign. Review status: criteria provided, single submitter. Criteria: ACMG Guidelines, 2015. Collection method: clinical testing. Allele origin: germline.

Clinical Genetics DNA and cytogenetics Diagnostics Lab, Erasmus MC, Erasmus Medical Center
Classification: Benign. Review status: no assertion criteria provided. Collection method: clinical testing. Allele origin: germline. Affected: yes. Study: VKGL Data-share Consensus. Not counted in ClinVar's aggregate classification.

Clinical Genetics, Academic Medical Center
Classification: Benign. Review status: no assertion criteria provided. Collection method: clinical testing. Allele origin: germline. Affected: yes. Study: VKGL Data-share Consensus. Not counted in ClinVar's aggregate classification.

Diagnostic Laboratory, Department of Genetics, University Medical Center Groningen
Classification: Likely benign. Review status: no assertion criteria provided. Collection method: clinical testing. Allele origin: germline. Affected: yes. Study: VKGL Data-share Consensus. Not counted in ClinVar's aggregate classification.

Joint Genome Diagnostic Labs from Nijmegen and Maastricht, Radboudumc and MUMC+
Classification: Benign. Review status: no assertion criteria provided. Collection method: clinical testing. Allele origin: germline. Affected: yes. Study: VKGL Data-share Consensus. Not counted in ClinVar's aggregate classification.